The following is an entry in ClinVar:

ClinVar aggregate classification (germline): Conflicting classifications of pathogenicity. Review status: criteria provided, conflicting classifications (1 of 4 stars). 5 submissions from 5 submitters: Uncertain significance (4); Likely benign (1). Last evaluated 2025-07-06.

Conditions:
Hereditary cancer-predisposing syndrome. Also called: Neoplastic Syndromes, Hereditary; Tumor predisposition; Hereditary Cancer Syndrome; Hereditary neoplastic syndrome. Identifiers: Orphanet 140162, MedGen C0027672, MeSH D009386, MONDO:0015356.
Hereditary breast ovarian cancer syndrome. Also called: Hereditary breast and ovarian cancer syndrome; Hereditary breast and ovarian cancer; Hereditary breast and ovarian cancer syndrome (HBOC); Breast and ovarian cancer; Hereditary breast and/or ovarian cancer syndrome; BRCA1- and BRCA2-Associated Hereditary Breast and Ovarian Cancer. Identifiers: Orphanet 145, MedGen C0677776, MeSH D061325, MONDO:0003582. Disease mechanism: loss of function.
BRCA1-related cancer predisposition. Identifiers: MedGen CN377757, MONDO:0700268.

gnomAD v4.1: 1 of 1,613,950 alleles (0.000062%); highest among the groups gnomAD compares: Admixed American, 0.0017%; no homozygotes.

Submissions (5):

Ambry Genetics
Classification: Uncertain significance for Hereditary cancer-predisposing syndrome. Last evaluated: 2025-07-06. Review status: criteria provided, single submitter. Criteria: Ambry Variant Classification Scheme 2023. Collection method: clinical testing. Allele origin: germline.
Comment: The p.L666V variant (also known as c.1996C>G), located in coding exon 9 of the BRCA1 gene, results from a C to G substitution at nucleotide position 1996. The leucine at codon 666 is replaced by valine, an amino acid with highly similar properties. This amino acid position is not well conserved in available vertebrate species. In addition, the in silico prediction for this alteration is inconclusive. Since supporting evidence is limited at this time, the clinical significance of this alteration remains unclear.

All of Us Research Program, National Institutes of Health
Classification: Uncertain significance for BRCA1-related cancer predisposition. Last evaluated: 2024-04-25. Review status: criteria provided, single submitter. Criteria: ACMG Guidelines, 2015. Collection method: clinical testing. Allele origin: germline. Inheritance: Autosomal dominant inheritance. Observed: 1 variant allele, 1 heterozygote.
Comment: This missense variant replaces leucine with valine at codon 666 of the BRCA1 protein. Computational prediction suggests that this variant may not impact protein structure and function. To our knowledge, functional studies have not been reported for this variant. This variant has not been reported in individuals affected with BRCA1-related disorders in the literature. This variant has not been identified in the general population by the Genome Aggregation Database (gnomAD). The available evidence is insufficient to determine the role of this variant in disease conclusively. Therefore, this variant is classified as a Variant of Uncertain Significance.

This study involves interpretation of variants in research participants for the purpose of population health screening. Participant phenotype was not available at the time of variant classification. Additional details can be found in publication PMID: 35346344, PMCID: PMC8962531

Color Diagnostics, LLC DBA Color Health
Classification: Uncertain significance for Hereditary cancer-predisposing syndrome. Last evaluated: 2024-04-11. Review status: criteria provided, single submitter. Criteria: ACMG Guidelines, 2015. Collection method: clinical testing. Allele origin: germline.
Comment: This missense variant replaces leucine with valine at codon 666 of the BRCA1 protein. Computational prediction suggests that this variant may not impact protein structure and function. To our knowledge, functional studies have not been reported for this variant. This variant has not been reported in individuals affected with BRCA1-related disorders in the literature. This variant has not been identified in the general population by the Genome Aggregation Database (gnomAD). The available evidence is insufficient to determine the role of this variant in disease conclusively. Therefore, this variant is classified as a Variant of Uncertain Significance.

University of Washington Department of Laboratory Medicine, University of Washington
Classification: Likely benign for Hereditary cancer-predisposing syndrome. Last evaluated: 2023-03-23. Review status: criteria provided, single submitter. Criteria: Dines et al. (Genet Med. 2020). Collection method: curation. Allele origin: germline.
Comment: Missense variant in a coldspot region where missense variants are very unlikely to be pathogenic (PMID:31911673).

BRCA1 coldspot (exon 11 using historical exon numbering). Reclassification based on statistical prior probability

Labcorp Genetics (formerly Invitae), Labcorp
Classification: Uncertain significance for Hereditary breast ovarian cancer syndrome. Last evaluated: 2022-11-23. Review status: criteria provided, single submitter. Criteria: Invitae Variant Classification Sherloc (09022015). Collection method: clinical testing. Allele origin: germline.
Comment: This variant is not present in population databases (gnomAD no frequency). This sequence change replaces leucine, which is neutral and non-polar, with valine, which is neutral and non-polar, at codon 666 of the BRCA1 protein (p.Leu666Val). This variant has not been reported in the literature in individuals affected with BRCA1-related conditions. In summary, the available evidence is currently insufficient to determine the role of this variant in disease. Therefore, it has been classified as a Variant of Uncertain Significance. Advanced modeling of protein sequence and biophysical properties (such as structural, functional, and spatial information, amino acid conservation, physicochemical variation, residue mobility, and thermodynamic stability) performed at Invitae indicates that this missense variant is not expected to disrupt BRCA1 protein function. ClinVar contains an entry for this variant (Variation ID: 482892).

NM_007294.4(BRCA1):c.1996C>G (p.Leu666Val)

Gene: BRCA1 (BRCA1 DNA repair associated; minus strand). Cytogenetic location: 17q21.31.
Variant type: single nucleotide variant.
Coding change: c.1996C>G on transcript NM_007294.4 (MANE Select); coding-DNA position 1996, C replaced by G.
Protein change: p.Leu666Val; replaces leucine 666 with valine.
Molecular consequence: missense variant. On other transcripts: intron variant (137).
Genome position (GRCh38, 1-based): chr17:43,093,535, G>C on the plus strand (C>G on the coding strand, the complement: BRCA1 is on the minus strand). VCF-style: chr17-43093535-G-C. GRCh37 (hg19) VCF-style: chr17-41245552-G-C.
Other names: c.1996C>G, p.Leu666Val (NM_001407626.1, NM_001407581.1, NM_001407582.1 and 30 more transcripts); c.1993C>G, p.Leu665Val (NM_001407627.1, NM_001407628.1, NM_001407629.1 and 22 more transcripts); c.1783C>G, p.Leu595Val (NM_001407571.1, NM_001407853.1, NM_001407894.1 and 9 more transcripts); c.1987C>G, p.Leu663Val (NM_001407646.1, NM_001407647.1); c.1873C>G, p.Leu625Val (NM_001407648.1, NM_001407664.1, NM_001407665.1 and 19 more transcripts); c.1870C>G, p.Leu624Val (NM_001407649.1, NM_001407670.1, NM_001407671.1 and 11 more transcripts); c.1918C>G, p.Leu640Val (NM_001407653.1, NM_001407654.1, NM_001407655.1 and 4 more transcripts); c.1915C>G, p.Leu639Val (NM_001407659.1, NM_001407660.1, NM_001407661.1 and 1 more transcripts); and 40 more; short protein forms L666V, L619V, L370V, L578V, L598V, L599V, L618V, L639V.
Identifiers: ClinVar variation 482892 (VCV000482892.25), dbSNP rs1555590709, ClinGen allele CA10598019.
Genomic context (GRCh38, chr17:43,093,535, plus strand): 5'-CATTTGGCTTGTTACTCTTCTTGGCTCCAGTTGCAGGTTCTTTACCTTCCATGAGTTGTA[G>C]GTTTCTGCTGTGCCTGACTGGCATTTGGTTGTACTTTTTTTTCTTTATCTCTTCACTGCT-3'
Protein context (NP_009225.1, residues 656-676): NQMPVRHSRN[Leu666Val]QLMEGKEPAT